The following is an entry in ClinVar:

ClinVar aggregate classification (germline): Uncertain significance (1 of 4 stars; one submission).

Conditions:
Dilated cardiomyopathy 1O (CMD1O). Also called: CARDIOMYOPATHY, DILATED, WITH VENTRICULAR TACHYCARDIA. Identifiers: Orphanet 154, MedGen C1837839, MONDO:0012062, OMIM 608569.

Submission:

Labcorp Genetics (formerly Invitae), Labcorp
Classification: Uncertain significance for Dilated cardiomyopathy 1O. Last evaluated: 2025-03-10. Review status: criteria provided, single submitter. Criteria: Invitae Variant Classification Sherloc (09022015). Collection method: clinical testing. Allele origin: germline.
Comment: This variant, c.3123_3125dup, results in the insertion of 1 amino acid(s) of the ABCC9 protein (p.Leu1042dup), but otherwise preserves the integrity of the reading frame. This variant is not present in population databases (gnomAD no frequency). This variant has not been reported in the literature in individuals affected with ABCC9-related conditions. Experimental studies and prediction algorithms are not available or were not evaluated, and the functional significance of this variant is currently unknown. In summary, the available evidence is currently insufficient to determine the role of this variant in disease. Therefore, it has been classified as a Variant of Uncertain Significance.

NM_020297.4(ABCC9):c.3123_3125dup (p.Leu1042_Cys1043insLeu)

Gene: ABCC9 (ATP binding cassette subfamily C member 9; minus strand). Cytogenetic location: 12p12.1.
Variant type: Duplication.
Coding change: c.3123_3125dup on transcript NM_020297.4 (MANE Select); coding-DNA positions 3123 to 3125, 3 bases duplicated (ACT; older notation c.3123_3125dupACT).
Protein change: p.Leu1042_Cys1043insLeu.
Molecular consequence: inframe insertion.
Genome position (GRCh38, 1-based): chr12:21,844,887-21,844,889, AGT duplicated on the plus strand (ACT on the coding strand, the reverse complement: ABCC9 is on the minus strand); duplicating any 3 consecutive bases within chr12:21,844,887-21,844,890 gives the same sequence; the c. name uses the placement nearest the transcript's 3' end. VCF-style (leftmost placement, unchanged base first): chr12-21844886-G-GAGT. GRCh37 (hg19) VCF-style: chr12-21997820-G-GAGT.
Other names: c.3123_3125dup, p.Leu1042_Cys1043insLeu (NM_001377273.1, NM_005691.4); c.2256_2258dup, p.Leu753_Cys754insLeu (NM_001377274.1).
Identifiers: ClinVar variation 4714652 (VCV004714652.1).
Genomic context (GRCh38, chr12:21,844,886, plus strand): 5'-GAGACCCATCCATTCTACAGTGAGGGATGTAACAAGGCAAAGGAAAATGCCTGCTCCACA[G>GAGT]AGTATGCTAAAGCCAGCCACATAGTAGGTCTAAAAAGCAACCAACACAAAAAGCACATAG-3'